The following is an entry in ClinVar:

ClinVar aggregate classification (germline): Uncertain significance. Review status: criteria provided, multiple submitters, no conflicts (2 of 4 stars). 2 submissions from 2 submitters: Uncertain significance (2). Last evaluated 2025-01-10.

Conditions:
Hereditary cancer-predisposing syndrome. Also called: Hereditary neoplastic syndrome; Neoplastic Syndromes, Hereditary; Hereditary Cancer Syndrome; Tumor predisposition. Identifiers: Orphanet 140162, MedGen C0027672, MeSH D009386, MONDO:0015356.
EGFR-related lung cancer (EGFR). Identifiers: MedGen CN130014.

Submissions (2):

Ambry Genetics
Classification: Uncertain significance for Hereditary cancer-predisposing syndrome. Last evaluated: 2025-01-10. Review status: criteria provided, single submitter. Criteria: Ambry Variant Classification Scheme 2023. Collection method: clinical testing. Allele origin: germline.
Comment: The p.E205K variant (also known as c.613G>A), located in coding exon 5 of the EGFR gene, results from a G to A substitution at nucleotide position 613. The glutamic acid at codon 205 is replaced by lysine, an amino acid with similar properties. This amino acid position is conserved. In addition, the in silico prediction for this alteration is inconclusive. Based on the available evidence, the clinical significance of this variant remains unclear.

Labcorp Genetics (formerly Invitae), Labcorp
Classification: Uncertain significance for EGFR-related lung cancer. Last evaluated: 2023-08-10. Review status: criteria provided, single submitter. Criteria: Invitae Variant Classification Sherloc (09022015). Collection method: clinical testing. Allele origin: germline.
Comment: This sequence change replaces glutamic acid, which is acidic and polar, with lysine, which is basic and polar, at codon 205 of the EGFR protein (p.Glu205Lys). This variant is not present in population databases (gnomAD no frequency). This variant has not been reported in the literature in individuals affected with EGFR-related conditions. ClinVar contains an entry for this variant (Variation ID: 1719236). Advanced modeling of protein sequence and biophysical properties (such as structural, functional, and spatial information, amino acid conservation, physicochemical variation, residue mobility, and thermodynamic stability) performed at Invitae indicates that this missense variant is not expected to disrupt EGFR protein function. In summary, the available evidence is currently insufficient to determine the role of this variant in disease. Therefore, it has been classified as a Variant of Uncertain Significance.

NM_005228.5(EGFR):c.613G>A (p.Glu205Lys)

Gene: EGFR (epidermal growth factor receptor; plus strand). Cytogenetic location: 7p11.2.
Variant type: single nucleotide variant.
Coding change: c.613G>A on transcript NM_005228.5 (MANE Select); coding-DNA position 613, G replaced by A.
Protein change: p.Glu205Lys; replaces glutamic acid 205 with lysine.
Molecular consequence: missense variant. On other transcripts: intron variant (1).
Genome position (GRCh38, 1-based): chr7:55,151,347, G>A. VCF-style: chr7-55151347-G-A. GRCh37 (hg19) VCF-style: chr7-55219040-G-A.
Other names: c.478G>A, p.Glu160Lys (NM_001346897.2, NM_001346899.2); c.613G>A, p.Glu205Lys (NM_001346898.2, NM_201282.2, NM_201283.2 and 1 more transcripts); c.454G>A, p.Glu152Lys (NM_001346900.2); c.89-4483G>A (NM_001346941.2); short protein forms E152K, E160K, E205K.
Identifiers: ClinVar variation 1719236 (VCV001719236.6), dbSNP rs2128932615, ClinGen allele CA367577260.